The following is an entry in ClinVar:

NM_000277.3(PAH):c.440del (p.Pro147fs)

Gene: PAH (phenylalanine hydroxylase; minus strand). Cytogenetic location: 12q23.2.
Variant type: Deletion.
Coding change: c.440del on transcript NM_000277.3 (MANE Select); coding-DNA position 440, one base deleted (C; older notation c.440delC).
Protein change: p.Pro147fs; shifts the reading frame from proline 147.
Molecular consequence: frameshift variant.
Genome position (GRCh38, 1-based): chr12:102,877,463, G deleted on the plus strand (C on the coding strand, the reverse complement: PAH is on the minus strand); the first of 3 consecutive G bases (chr12:102,877,463-102,877,465); deleting any one gives the same sequence. VCF-style (leftmost placement, unchanged base first): chr12-102877462-AG-A. GRCh37 (hg19) VCF-style: chr12-103271240-AG-A.
Other names: c.440del, p.Pro147fs (NM_001354304.2); short protein forms P147fs.
Identifiers: ClinVar variation 1726584 (VCV001726584.2), dbSNP rs2499495824, ClinGen allele CA2580085690.

ClinVar aggregate classification (germline): Likely pathogenic (1 of 4 stars; one submission).

Conditions:
Phenylketonuria (PKU). Also called: Phenylketonurias; FOLLING DISEASE; Phenylketonuria (PKU); OLIGOPHRENIA PHENYLPYRUVICA. Identifiers: Orphanet 716, MedGen C0031485, MONDO:0009861, OMIM 261600. Disease mechanism: loss of function.

Submission:

Myriad Genetics, Inc.
Classification: Likely pathogenic for Phenylketonuria. Last evaluated: 2021-12-27. Review status: criteria provided, single submitter. Criteria: Myriad Women's Health Autosomal Recessive and X-Linked Classification Criteria (2021). Collection method: clinical testing. Allele origin: unknown.
Comment: NM_000277.1(PAH):c.440delC(P147Lfs*48) is expected to be pathogenic in the context of phenylalanine hydroxylase deficiency. This variant is predicted to lead to an abnormal or absent protein product due to the creation of a premature termination codon in PAH, a gene where loss-of-function variants are known to be pathogenic. Please note: this variant was assessed in the context of healthy population screening.